The following is an entry in ClinVar:

NM_004183.4(BEST1):c.422G>A (p.Arg141His)

Gene: BEST1 (bestrophin 1; plus strand). Cytogenetic location: 11q12.3.
Variant type: single nucleotide variant.
Coding change: c.422G>A on transcript NM_004183.4 (MANE Select); coding-DNA position 422, G replaced by A.
Protein change: p.Arg141His; replaces arginine 141 with histidine.
Molecular consequence: missense variant. On other transcripts: non-coding transcript variant (1).
Genome position (GRCh38, 1-based): chr11:61,955,892, G>A. VCF-style: chr11-61955892-G-A. GRCh37 (hg19) VCF-style: chr11-61723364-G-A.
Other names: c.242G>A, p.Arg81His (NM_001139443.3, NM_001300786.2, NM_001300787.2); c.104G>A, p.Arg35His (NM_001363591.3); c.422G>A, p.Arg141His (NM_001363592.2); c.-754G>A (NM_001363593.3); short protein forms R141H, R35H, R81H.
Identifiers: ClinVar variation 2740 (VCV000002740.66), dbSNP rs121918284, ClinGen allele CA115724.

ClinVar aggregate classification (germline): Pathogenic/Likely pathogenic. Review status: criteria provided, multiple submitters, no conflicts (2 of 4 stars). 17 submissions from 16 submitters: Pathogenic (9); Likely pathogenic (1). 7 of the submissions do not count toward it. Last evaluated 2026-05-26.

Conditions:
BEST1-related dominant retinopathy. Identifiers: MedGen CN375913, MONDO:0700238.
BEST1-related disorder. Also called: BEST1-related disorders; BEST1-related condition. Identifiers: MedGen CN239200.
Retinal dystrophy. Also called: Inherited retinal dystrophy. Identifiers: Orphanet 71862, MedGen C0854723, MeSH D058499, MONDO:0019118, HP:0000556.
Stargardt disease (FFM). Also called: Stargardt's disease; Fundus flavimaculatus. Identifiers: Orphanet 827, MedGen C0271093, MONDO:0019353.
Vitelliform macular dystrophy 2. Also called: Best vitelliform macular dystrophy, multifocal; MACULAR DEGENERATION, POLYMORPHIC VITELLINE; Best Vitelliform Macular Dystrophy (BVMD); VITELLIFORM MACULAR DYSTROPHY, EARLY-ONSET; VITELLIFORM MACULAR DYSTROPHY, JUVENILE-ONSET; Best Macular Dystrophy. Identifiers: Orphanet 1243, MedGen C2745945, MONDO:0007931, OMIM 153700.
Autosomal recessive bestrophinopathy. Also called: Autosomal Recessive Bestrophinopathy (ARB). Identifiers: Orphanet 139455, MedGen C3888198, MONDO:0012733, OMIM 611809.

Allele frequency attached by ClinVar (database versions not stated): gnomAD 0.00033 and 0.00032; ExAC 0.00012; TOPMed 0.00016; 1000 Genomes Project 0.00020; gnomAD exomes 0.00052; 1000 Genomes Project 30x 0.00016.

Submissions (17):

PreventionGenetics, part of Exact Sciences
Classification: Pathogenic for BEST1-related condition. Last evaluated: 2026-05-26. Review status: criteria provided, single submitter. Criteria: ACMG Guidelines, 2015. Collection method: clinical testing. Allele origin: germline.
Comment: The BEST1 c.422G>A variant is predicted to result in the amino acid substitution p.Arg141His. This variant has been reported in individuals with autosomal recessive BEST1-related disease (see for examples: Krämer et al. 2000. PubMed ID: 10854112; Burgess et al. 2008. PubMed ID: 18179881; Table S1, Lin et al. 2024. PubMed ID: 38219857). Functional studies suggested that this variant causes mislocalization and misfolding of the protein and reduced channel activity (Davidson et al. 2011. PubMed ID: 21330666). An alternate substitution of this amino acid residue (p.Arg141Ser) has also been reported in individuals with retinal disease (Table S1, Lin et al. 2024. PubMed ID: 38219857). This variant is present in 0.33% of alleles in individuals of European (Finnish) descent in gnomAD, indicating it is relatively common in this population. This variant is interpreted as pathogenic for autosomal recessive disease.

Labcorp Genetics (formerly Invitae), Labcorp
Classification: Pathogenic. Last evaluated: 2024-12-18. Review status: criteria provided, single submitter. Criteria: Invitae Variant Classification Sherloc (09022015). Collection method: clinical testing. Allele origin: germline.
Comment: This sequence change replaces arginine, which is basic and polar, with histidine, which is basic and polar, at codon 141 of the BEST1 protein (p.Arg141His). This variant is present in population databases (rs121918284, gnomAD 0.3%), and has an allele count higher than expected for a pathogenic variant. This missense change has been observed in individual(s) with autosomal recessive BEST-related disorders (PMID: 16754206, 21809908, 23290749, 26333019). It has also been observed to segregate with disease in related individuals. ClinVar contains an entry for this variant (Variation ID: 2740). Invitae Evidence Modeling of protein sequence and biophysical properties (such as structural, functional, and spatial information, amino acid conservation, physicochemical variation, residue mobility, and thermodynamic stability) indicates that this missense variant is expected to disrupt BEST1 protein function with a positive predictive value of 95%. Experimental studies have shown that this missense change affects BEST1 function (PMID: 18179881, 21330666, 26200502, 27519691). For these reasons, this variant has been classified as Pathogenic.

Blueprint Genetics
Classification: Pathogenic for BEST1-related disorders. Last evaluated: 2024-09-19. Review status: criteria provided, single submitter. Criteria: ACMG Guidelines, 2015. Collection method: clinical testing. Allele origin: germline. Affected: yes. Observed: 5 variant alleles.

CeGaT Center for Human Genetics Tuebingen
Classification: Pathogenic. Last evaluated: 2023-04-01. Review status: criteria provided, single submitter. Criteria: CeGaT Center For Human Genetics Tuebingen Variant Classification Criteria Version 2. Collection method: clinical testing. Allele origin: germline. Affected: yes. Observed: 3 variant alleles.
Comment: BEST1: PM3:Very Strong, PM2, PM5, PP4, PS3:Supporting

Institute of Human Genetics, Univ. Regensburg, Univ. Regensburg
Classification: Pathogenic for Retinal dystrophy. Last evaluated: 2023-01-01. Review status: criteria provided, single submitter. Criteria: ACMG Guidelines, 2015. Collection method: clinical testing. Allele origin: germline. Affected: yes.

Department of Pathology and Laboratory Medicine, Sinai Health System
Classification: Pathogenic for BEST1-related dominant retinopathy. Last evaluated: 2021-07-30. Review status: criteria provided, single submitter. Criteria: ACMG Guidelines, 2015. Collection method: research. Allele origin: germline.

Institute of Medical Molecular Genetics, University of Zurich
Classification: Likely pathogenic for Autosomal recessive bestrophinopathy. Last evaluated: 2021-01-30. Review status: criteria provided, single submitter. Criteria: ACMG Guidelines, 2015. Collection method: clinical testing. Allele origin: unknown. Affected: yes.

Institute of Medical Genetics and Applied Genomics, University Hospital Tübingen
Classification: Pathogenic. Last evaluated: 2020-10-23. Review status: criteria provided, single submitter. Criteria: ACMG Guidelines, 2015. Collection method: clinical testing. Allele origin: germline. Inheritance: Unknown mechanism. Affected: yes.

GeneDx
Classification: Pathogenic. Last evaluated: 2015-08-20. Review status: criteria provided, single submitter. Criteria: GeneDx Variant Classification (06012015). Collection method: clinical testing. Allele origin: germline. Affected: yes.
Comment: The R141H variant in the BEST1 gene has been reported previously in association with Best macular dystrophy (Kramer et al., 2000). This variant was not observed at any significant frequency in either the NHLBI Exome Sequencing Project or the 1000 Genomes Project. The R141H substitution occurs at a position that is conserved across species. Functional in vitro studies have demonstrated that the R141H protein is mislocalized, prematurely degraded, and has significantly reduced chloride conductance relative to the wild-type protein (Davidson et al., 2011; Johnson et al., 2014). We interpret the R141H variant as a pathogenic variant.

Eurofins Ntd Llc (ga)
Classification: Pathogenic. Last evaluated: 2014-06-12. Review status: criteria provided, single submitter. Criteria: EGL Classification Definitions 2015. Collection method: clinical testing. Allele origin: germline. Observed: 1 variant allele, 1 heterozygote.

Department of Clinical Genetics, Copenhagen University Hospital, Rigshospitalet
Classification: Pathogenic for Stargardt disease. Last evaluated: 2018-04-01. Review status: no assertion criteria provided. Collection method: research. Allele origin: unknown. Affected: yes. Study: VeluxRD. Not counted in ClinVar's aggregate classification.

Laboratorio de Imunogenetica e Histocompatibilidade, Universidade Federal do Parana
Classification: Pathogenic for Autosomal recessive bestrophinopathy. Last evaluated: 2015-01-25. Review status: no assertion criteria provided. Collection method: phenotyping only. Allele origin: germline. Inheritance: Autosomal recessive inheritance. Affected: yes. Observed: 1 variant allele, 1 compound heterozygote. Not counted in ClinVar's aggregate classification.
Comment: The variant was found together with c.400C>G. Both are believed are causative of Bestrophinopathy autosomal recessive (BAR).

OMIM
Classification: Pathogenic for MACULAR DYSTROPHY, VITELLIFORM, 2. Last evaluated: 2011-06-01. Review status: no assertion criteria provided. Collection method: literature only. Allele origin: germline. Not counted in ClinVar's aggregate classification.

OMIM
Classification: Pathogenic for BESTROPHINOPATHY, AUTOSOMAL RECESSIVE. Last evaluated: 2011-06-01. Review status: no assertion criteria provided. Collection method: literature only. Allele origin: germline. Not counted in ClinVar's aggregate classification.

Clinical Genetics DNA and cytogenetics Diagnostics Lab, Erasmus MC, Erasmus Medical Center
Classification: Pathogenic. Review status: no assertion criteria provided. Collection method: clinical testing. Allele origin: germline. Affected: yes. Study: VKGL Data-share Consensus. Not counted in ClinVar's aggregate classification.

Joint Genome Diagnostic Labs from Nijmegen and Maastricht, Radboudumc and MUMC+
Classification: Pathogenic. Review status: no assertion criteria provided. Collection method: clinical testing. Allele origin: germline. Affected: yes. Study: VKGL Data-share Consensus. Not counted in ClinVar's aggregate classification.

Retina International
No classification provided. Review status: no classification provided. Collection method: not provided. Allele origin: unknown. Not counted in ClinVar's aggregate classification.

Literature cited by the submitters: PubMed 16754206 (cited by Labcorp Genetics (formerly Invitae), Labcorp and OMIM); PubMed 21809908 (cited by Labcorp Genetics (formerly Invitae), Labcorp and Institute of Human Genetics, Univ. Regensburg, Univ. Regensburg); PubMed 23290749 (cited by Labcorp Genetics (formerly Invitae), Labcorp); PubMed 26333019 (cited by Labcorp Genetics (formerly Invitae), Labcorp); PubMed 18179881 (cited by 3 submitters); PubMed 21330666 (cited by 3 submitters); PubMed 26200502 (cited by Labcorp Genetics (formerly Invitae), Labcorp and Institute of Human Genetics, Univ. Regensburg, Univ. Regensburg); PubMed 27519691 (cited by Labcorp Genetics (formerly Invitae), Labcorp); PubMed 10854112 (cited by Institute of Human Genetics, Univ. Regensburg, Univ. Regensburg and Eurofins Ntd Llc (ga)); PubMed 21825197 (cited by Institute of Human Genetics, Univ. Regensburg, Univ. Regensburg and Eurofins Ntd Llc (ga)); PubMed 24560797 (cited by Institute of Human Genetics, Univ. Regensburg, Univ. Regensburg); PubMed 28559085 (cited by Institute of Human Genetics, Univ. Regensburg, Univ. Regensburg); PubMed 29068140 (cited by Institute of Human Genetics, Univ. Regensburg, Univ. Regensburg); PubMed 29555955 (cited by Institute of Human Genetics, Univ. Regensburg, Univ. Regensburg); PubMed 29668979 (cited by Institute of Human Genetics, Univ. Regensburg, Univ. Regensburg); PubMed 31766397 (cited by Institute of Human Genetics, Univ. Regensburg, Univ. Regensburg); PubMed 30718709 (cited by Institute of Human Genetics, Univ. Regensburg, Univ. Regensburg and Department of Clinical Genetics, Copenhagen University Hospital, Rigshospitalet); PubMed 31455904 (cited by Institute of Human Genetics, Univ. Regensburg, Univ. Regensburg); PubMed 31429209 (cited by Institute of Human Genetics, Univ. Regensburg, Univ. Regensburg); PubMed 33302512 (cited by Institute of Human Genetics, Univ. Regensburg, Univ. Regensburg); PubMed 32531858 (cited by Institute of Human Genetics, Univ. Regensburg, Univ. Regensburg); PubMed 33369172 (cited by Institute of Human Genetics, Univ. Regensburg, Univ. Regensburg); PubMed 34327816 (cited by Institute of Human Genetics, Univ. Regensburg, Univ. Regensburg); PubMed 34015078 (cited by Institute of Human Genetics, Univ. Regensburg, Univ. Regensburg); PubMed 21273940 (cited by Eurofins Ntd Llc (ga)); PubMed 21192766 (cited by OMIM).